The following is an entry in ClinVar:

ClinVar aggregate classification (germline): Pathogenic/Likely pathogenic. Review status: criteria provided, multiple submitters, no conflicts (2 of 4 stars). 2 submissions from 2 submitters: Pathogenic (1); Likely pathogenic (1). Last evaluated 2023-06-24.

Conditions:
Fanconi anemia (FA). Also called: Fanconi's anemia. Identifiers: Orphanet 84, MedGen C0015625, MeSH D005199, MONDO:0019391.
Fanconi anemia complementation group I (FANCI). Also called: FANCI-Related Fanconi Anemia. Identifiers: Orphanet 84, MedGen C1836861, MONDO:0012186, OMIM 609053.

Allele frequency attached by ClinVar (database versions not stated): gnomAD exomes below 0.00001.

Submissions (2):

Baylor Genetics
Classification: Likely pathogenic for Fanconi anemia complementation group I. Last evaluated: 2023-06-24. Review status: criteria provided, single submitter. Criteria: ACMG Guidelines, 2015. Collection method: clinical testing. Allele origin: unknown.

Labcorp Genetics (formerly Invitae), Labcorp
Classification: Pathogenic for Fanconi anemia. Last evaluated: 2023-01-17. Review status: criteria provided, single submitter. Criteria: Invitae Variant Classification Sherloc (09022015). Collection method: clinical testing. Allele origin: germline.
Comment: For these reasons, this variant has been classified as Pathogenic. This variant has not been reported in the literature in individuals affected with FANCI-related conditions. This variant is not present in population databases (gnomAD no frequency). This sequence change creates a premature translational stop signal (p.Gln633*) in the FANCI gene. It is expected to result in an absent or disrupted protein product. Loss-of-function variants in FANCI are known to be pathogenic (PMID: 17452773, 17460694).

Literature cited by the submitters: PubMed 17452773 (cited by Labcorp Genetics (formerly Invitae), Labcorp); PubMed 17460694 (cited by Labcorp Genetics (formerly Invitae), Labcorp).

NM_001113378.2(FANCI):c.1897C>T (p.Gln633Ter)

Gene: FANCI (FA complementation group I; plus strand). Cytogenetic location: 15q26.1.
Variant type: single nucleotide variant.
Coding change: c.1897C>T on transcript NM_001113378.2 (MANE Select); coding-DNA position 1897, C replaced by T.
Protein change: p.Gln633Ter; replaces glutamine 633 with a stop codon.
Molecular consequence: nonsense.
Genome position (GRCh38, 1-based): chr15:89,291,619, C>T. VCF-style: chr15-89291619-C-T. GRCh37 (hg19) VCF-style: chr15-89834850-C-T.
Other names: c.1618C>T, p.Gln540Ter (NM_001376910.1); c.1897C>T, p.Gln633Ter (NM_001376911.1, NM_018193.3); short protein forms Q540*, Q633*.
Identifiers: ClinVar variation 2675616 (VCV002675616.4), dbSNP rs2507355048, ClinGen allele CA393748636.